The following is an entry in ClinVar:

ClinVar aggregate classification (germline): Likely pathogenic (1 of 4 stars; one submission).

Conditions:
Hypercholesterolemia, autosomal dominant, type B (FHCL2). Also called: Familial Hypercholesterolemia Type B; APOLIPOPROTEIN B-100, FAMILIAL DEFECTIVE; APOLIPOPROTEIN B-100, FAMILIAL LIGAND-DEFECTIVE; HYPERCHOLESTEROLEMIA, FAMILIAL, DUE TO LIGAND-DEFECTIVE APOLIPOPROTEIN B; Hyperlipoproteinemia Type IIb; Familial hypercholesterolemia 2. Identifiers: MedGen C1704417, MONDO:0007751, OMIM 144010.

Submission:

Juno Genomics, Hangzhou Juno Genomics, Inc
Classification: Likely pathogenic for Hypercholesterolemia, autosomal dominant, type B. Review status: criteria provided, single submitter. Criteria: ACMG Guidelines, 2015. Collection method: clinical testing. Allele origin: germline.
Comment: Absent from controls (or at extremely low frequency if recessive) in Genome Aggregation Database.;Null variant in a gene where loss of function (LOF) is a known mechanism of disease.

NM_000384.3(APOB):c.3207del (p.Phe1069fs)

Gene: APOB (apolipoprotein B; minus strand). Cytogenetic location: 2p24.1.
Variant type: Deletion.
Coding change: c.3207del on transcript NM_000384.3 (MANE Select); coding-DNA position 3207, one base deleted (T; older notation c.3207delT).
Protein change: p.Phe1069fs; shifts the reading frame from phenylalanine 1069.
Molecular consequence: frameshift variant.
Genome position (GRCh38, 1-based): chr2:21,016,564, A deleted on the plus strand (T on the coding strand, the reverse complement: APOB is on the minus strand); the first of 4 consecutive A bases (chr2:21,016,564-21,016,567); deleting any one gives the same sequence. VCF-style (leftmost placement, unchanged base first): chr2-21016563-CA-C. GRCh37 (hg19) VCF-style: chr2-21239435-CA-C.
Other names: short protein forms F1069fs.
Identifiers: ClinVar variation 4531296 (VCV004531296.2).